The following is an entry in ClinVar:

NM_001164508.2(NEB):c.22878C>A (p.Ala7626=)

Genes: NEB (nebulin; minus strand), RIF1 (replication timing regulatory factor 1; plus strand). Cytogenetic location: 2q23.3.
Variant type: single nucleotide variant.
Coding change: c.22878C>A on transcript NM_001164508.2 (MANE Select); coding-DNA position 22878, C replaced by A.
Protein change: p.Ala7626=; no amino-acid change (alanine 7626 retained).
Molecular consequence: synonymous variant.
Genome position (GRCh38, 1-based): chr2:151,516,486, G>T on the plus strand (C>A on the coding strand, the complement: NEB is on the minus strand). VCF-style: chr2-151516486-G-T. GRCh37 (hg19) VCF-style: chr2-152373000-G-T.
Other names: c.22878C>A, p.Ala7626= (NM_001164507.2); c.22983C>A, p.Ala7661= (NM_001271208.2); c.17775C>A, p.Ala5925= (NM_004543.5).
Identifiers: ClinVar variation 194292 (VCV000194292.95), dbSNP rs185574478, ClinGen allele CA240177.

ClinVar aggregate classification (germline): Conflicting classifications of pathogenicity. Review status: criteria provided, conflicting classifications (1 of 4 stars). 10 submissions from 10 submitters: Uncertain significance (2); Likely benign (4). 4 of the submissions do not count toward it. Last evaluated 2026-09-01.

Conditions:
Nemaline myopathy 2 (NEM2). Also called: Nemaline myopathy 2, autosomal recessive. Identifiers: MedGen C1850569, MONDO:0009725, OMIM 256030.

Allele frequency attached by ClinVar (database versions not stated): 1000 Genomes Project 0.00060; 1000 Genomes Project 30x 0.00078; ExAC 0.00111; gnomAD exomes 0.00119 and 0.00157; TOPMed 0.00131; ESP Exome Variant Server 0.00138; gnomAD 0.00141 and 0.00145.
gnomAD v4.1: 2,507 of 1,612,934 alleles (0.16%); highest among the groups gnomAD compares: Non-Finnish European, 0.19%; 4 homozygotes.

Submissions (10):

CeGaT Center for Human Genetics Tuebingen
Classification: Likely benign. Last evaluated: 2026-09-01. Review status: criteria provided, single submitter. Criteria: CeGaT Center For Human Genetics Tuebingen Variant Classification Criteria Version 2. Collection method: clinical testing. Allele origin: germline. Affected: yes. Observed: 5 variant alleles.
Comment: NEB: BP4

Labcorp Genetics (formerly Invitae), Labcorp
Classification: Likely benign for Nemaline myopathy 2. Last evaluated: 2026-01-24. Review status: criteria provided, single submitter. Criteria: Invitae Variant Classification Sherloc (09022015). Collection method: clinical testing. Allele origin: germline.

Blueprint Genetics
Classification: Likely benign. Last evaluated: 2024-11-25. Review status: criteria provided, single submitter. Criteria: ACMG Guidelines, 2015. Collection method: clinical testing. Allele origin: germline.

GeneDx
Classification: Likely benign. Last evaluated: 2021-04-06. Review status: criteria provided, single submitter. Criteria: GeneDx Variant Classification Process June 2021. Collection method: clinical testing. Allele origin: germline. Affected: yes.

Illumina Laboratory Services, Illumina
Classification: Uncertain significance for Nemaline myopathy 2. Last evaluated: 2018-01-13. Review status: criteria provided, single submitter. Criteria: ICSL Variant Classification Criteria 13 December 2019. Collection method: clinical testing. Allele origin: germline.

Eurofins Ntd Llc (ga)
Classification: Uncertain significance. Last evaluated: 2014-12-12. Review status: criteria provided, single submitter. Criteria: EGL Classification Definitions 2015. Collection method: clinical testing. Allele origin: germline. Observed: 2 variant alleles, 2 heterozygotes.

Natera, Inc.
Classification: Likely benign for Nemaline myopathy type 2. Last evaluated: 2019-11-11. Review status: no assertion criteria provided. Collection method: clinical testing. Allele origin: germline. Not counted in ClinVar's aggregate classification.

Clinical Genetics DNA and cytogenetics Diagnostics Lab, Erasmus MC, Erasmus Medical Center
Classification: Likely benign. Review status: no assertion criteria provided. Collection method: clinical testing. Allele origin: germline. Affected: yes. Study: VKGL Data-share Consensus. Not counted in ClinVar's aggregate classification.

Genome Diagnostics Laboratory, University Medical Center Utrecht
Classification: Likely benign. Review status: no assertion criteria provided. Collection method: clinical testing. Allele origin: germline. Affected: yes. Study: VKGL Data-share Consensus. Not counted in ClinVar's aggregate classification.

Laboratory of Diagnostic Genome Analysis, Leiden University Medical Center (LUMC)
Classification: Likely benign. Review status: no assertion criteria provided. Collection method: clinical testing. Allele origin: germline. Affected: yes. Study: VKGL Data-share Consensus. Not counted in ClinVar's aggregate classification.